The following is an entry in ClinVar:

ClinVar aggregate classification (germline): Uncertain significance (1 of 4 stars; one submission).

Allele frequency attached by ClinVar (database versions not stated): gnomAD exomes below 0.00001.

Submission:

Labcorp Genetics (formerly Invitae), Labcorp
Classification: Uncertain significance. Last evaluated: 2022-08-25. Review status: criteria provided, single submitter. Criteria: Invitae Variant Classification Sherloc (09022015). Collection method: clinical testing. Allele origin: germline.
Comment: In summary, the available evidence is currently insufficient to determine the role of this variant in disease. Therefore, it has been classified as a Variant of Uncertain Significance. Algorithms developed to predict the effect of missense changes on protein structure and function (SIFT, PolyPhen-2, Align-GVGD) all suggest that this variant is likely to be disruptive. This variant has not been reported in the literature in individuals affected with ZNF687-related conditions. This variant is not present in population databases (gnomAD no frequency). This sequence change replaces serine, which is neutral and polar, with phenylalanine, which is neutral and non-polar, at codon 1146 of the ZNF687 protein (p.Ser1146Phe).

NM_020832.3(ZNF687):c.3437C>T (p.Ser1146Phe)

Gene: ZNF687 (zinc finger protein 687; plus strand). Cytogenetic location: 1q21.3.
Variant type: single nucleotide variant.
Coding change: c.3437C>T on transcript NM_020832.3 (MANE Select); coding-DNA position 3437, C replaced by T.
Protein change: p.Ser1146Phe; replaces serine 1146 with phenylalanine.
Molecular consequence: missense variant.
Genome position (GRCh38, 1-based): chr1:151,290,932, C>T. VCF-style: chr1-151290932-C-T. GRCh37 (hg19) VCF-style: chr1-151263408-C-T.
Other names: c.3437C>T, p.Ser1146Phe (NM_001304763.2, NM_001304764.2); short protein forms S1146F.
Identifiers: ClinVar variation 2172011 (VCV002172011.4), dbSNP rs2528553559, ClinGen allele CA341964024.